The following is an entry in ClinVar:

NM_000540.3(RYR1):c.7137C>T (p.Ala2379=)

Gene: RYR1 (ryanodine receptor 1; plus strand). Cytogenetic location: 19q13.2.
Variant type: single nucleotide variant.
Coding change: c.7137C>T on transcript NM_000540.3 (MANE Select); coding-DNA position 7137, C replaced by T.
Protein change: p.Ala2379=; no amino-acid change (alanine 2379 retained).
Molecular consequence: synonymous variant.
Genome position (GRCh38, 1-based): chr19:38,499,744, C>T. VCF-style: chr19-38499744-C-T. GRCh37 (hg19) VCF-style: chr19-38990384-C-T.
Other names: c.7137C>T, p.Ala2379= (NM_001042723.2).
Identifiers: ClinVar variation 3074144 (VCV003074144.1), dbSNP rs2514313260, ClinGen allele CA507353889.

ClinVar aggregate classification (germline): Likely benign (1 of 4 stars; one submission).

Conditions:
Malignant hyperthermia, susceptibility to, 1 (MHS1). Also called: Anesthesia related hyperthermia; Malignant hyperpyrexia; Fulminating hyperpyrexia; Pharmacogenic myopathy; RYR1-Related Malignant Hyperthermia Susceptibility; Malignant hyperthermia suceptibility 1. Identifiers: Orphanet 423, MedGen C2930980, MONDO:0007783, OMIM 145600.

Submission:

All of Us Research Program, National Institutes of Health
Classification: Likely benign for Malignant hyperthermia, susceptibility to, 1. Last evaluated: 2023-12-01. Review status: criteria provided, single submitter. Criteria: ACMG Guidelines, 2015. Collection method: clinical testing. Allele origin: germline. Inheritance: Autosomal dominant inheritance. Observed: 2 variant alleles, 2 heterozygotes.
Comment: This study involves interpretation of variants in research participants for the purpose of population health screening. Participant phenotype was not available at the time of variant classification. Additional details can be found in publication PMID: 35346344, PMCID: PMC8962531